The following is an entry in ClinVar:

ClinVar aggregate classification (germline): Likely benign. Review status: criteria provided, multiple submitters, no conflicts (2 of 4 stars). 3 submissions from 3 submitters: Likely benign (2). 1 of the submissions does not count toward it. Last evaluated 2025-09-11.

Conditions:
CDKN1C-related disorder. Also called: CDKN1C-related condition.
Beckwith-Wiedemann syndrome (BWS). Also called: Exomphalos macroglossia gigantism syndrome; EMG SYNDROME. Identifiers: Orphanet 116, MedGen C0004903, MONDO:0007534, OMIM 130650.

Allele frequency attached by ClinVar (database versions not stated): gnomAD exomes 0.00001.

Submissions (3):

Labcorp Genetics (formerly Invitae), Labcorp
Classification: Likely benign for Beckwith-Wiedemann syndrome. Last evaluated: 2025-09-11. Review status: criteria provided, single submitter. Criteria: Invitae Variant Classification Sherloc (09022015). Collection method: clinical testing. Allele origin: germline.

CeGaT Center for Human Genetics Tuebingen
Classification: Likely benign. Last evaluated: 2023-08-01. Review status: criteria provided, single submitter. Criteria: CeGaT Center For Human Genetics Tuebingen Variant Classification Criteria Version 2. Collection method: clinical testing. Allele origin: germline. Affected: yes. Observed: 1 variant allele.
Comment: CDKN1C: BP4, BP7

PreventionGenetics, part of Exact Sciences
Classification: Likely benign for CDKN1C-related condition. Last evaluated: 2019-10-21. Review status: no assertion criteria provided. Collection method: clinical testing. Allele origin: germline. Not counted in ClinVar's aggregate classification.
Comment: This variant is classified as likely benign based on ACMG/AMP sequence variant interpretation guidelines (Richards et al. 2015 PMID: 25741868, with internal and published modifications).

NM_001122630.2(CDKN1C):c.573G>A (p.Pro191=)

Gene: CDKN1C (cyclin dependent kinase inhibitor 1C; minus strand). Cytogenetic location: 11p15.4.
Variant type: single nucleotide variant.
Coding change: c.573G>A on transcript NM_001122630.2 (MANE Select); coding-DNA position 573, G replaced by A.
Protein change: p.Pro191=; no amino-acid change (proline 191 retained).
Molecular consequence: synonymous variant. On other transcripts: intron variant (1).
Genome position (GRCh38, 1-based): chr11:2,884,884, C>T on the plus strand (G>A on the coding strand, the complement: CDKN1C is on the minus strand). VCF-style: chr11-2884884-C-T. GRCh37 (hg19) VCF-style: chr11-2906114-C-T.
Other names: c.606G>A, p.Pro202= (NM_000076.2, NM_001362474.2); c.573G>A, p.Pro191= (NM_001122631.2); c.255+318G>A (NM_001362475.2).
Identifiers: ClinVar variation 1080492 (VCV001080492.33), dbSNP rs1396908491, ClinGen allele CA472832377.